The following is an entry in ClinVar:

NM_001174147.2(LMX1B):c.*1063T>A

Gene: LMX1B (LIM homeobox transcription factor 1 beta; plus strand). Cytogenetic location: 9q33.3.
Variant type: single nucleotide variant.
Coding change: c.*1063T>A on transcript NM_001174147.2 (MANE Select); 1063 bases downstream of the stop codon, T replaced by A.
Molecular consequence: 3 prime UTR variant.
Genome position (GRCh38, 1-based): chr9:126,697,514, T>A. VCF-style: chr9-126697514-T-A. GRCh37 (hg19) VCF-style: chr9-129459793-T-A.
Other names: c.*1063T>A (NM_001174146.2, NM_002316.4).
Identifiers: ClinVar variation 364916 (VCV000364916.5), dbSNP rs551202501, ClinGen allele CA10632433.
Genomic context (GRCh38, chr9:126,697,514, plus strand): 5'-CTCCCCTCACATACCTCCAGTGACAAGGAGCTCACTAGGTCAGCGAGCCCACAGCAGCTG[T>A]GCTGTCCTGCATCCCAGAGCCAGGCTTCCCCAGCTCTCCCTCTTAACACTGTCCCCCAGC-3'

ClinVar aggregate classification (germline): Benign (1 of 4 stars; one submission).

Conditions:
Nail-patella syndrome (NPS). Also called: FONG DISEASE; ONYCHOOSTEODYSPLASIA; TURNER-KIESER SYNDROME. Identifiers: Orphanet 2614, MedGen C0027341, MONDO:0008061, OMIM 161200.

Allele frequency attached by ClinVar (database versions not stated): gnomAD 0.00025 and 0.00026; TOPMed 0.00046; 1000 Genomes Project 0.00060; 1000 Genomes Project 30x 0.00062.

Submission:

Illumina Laboratory Services, Illumina
Classification: Benign for Nail-patella syndrome. Last evaluated: 2018-01-13. Review status: criteria provided, single submitter. Criteria: ICSL Variant Classification Criteria 13 December 2019. Collection method: clinical testing. Allele origin: germline.
Comment: This variant was observed in the ICSL laboratory as part of a predisposition screen in an ostensibly healthy population. It had not been previously curated by ICSL or reported in the Human Gene Mutation Database (HGMD: prior to June 1st, 2018), and was therefore a candidate for classification through an automated scoring system. Utilizing variant allele frequency, disease prevalence and penetrance estimates, and inheritance mode, an automated score was calculated to assess if this variant is too frequent to cause the disease. Based on the score and internal cut-off values, a variant classified as benign is not then subjected to further curation. The score for this variant resulted in a classification of benign for this disease.